The following is an entry in ClinVar:

NM_014251.3(SLC25A13):c.1231-1G>A

Gene: SLC25A13 (solute carrier family 25 member 13; minus strand). Cytogenetic location: 7q21.3.
Variant type: single nucleotide variant.
Coding change: c.1231-1G>A on transcript NM_014251.3 (MANE Select); the canonical splice acceptor site of the intron before coding-DNA position 1231, G replaced by A.
Molecular consequence: splice acceptor variant.
Genome position (GRCh38, 1-based): chr7:96,170,126, C>T on the plus strand (G>A on the coding strand, the complement: SLC25A13 is on the minus strand). VCF-style: chr7-96170126-C-T. GRCh37 (hg19) VCF-style: chr7-95799438-C-T.
Other names: c.1234-1G>A (NM_001160210.2); c.1231-1G>A (NM_014251.2).
Identifiers: ClinVar variation 1067978 (VCV001067978.14), dbSNP rs781452100, ClinGen allele CA4352984.

ClinVar aggregate classification (germline): Pathogenic/Likely pathogenic. Review status: criteria provided, multiple submitters, no conflicts (2 of 4 stars). 6 submissions from 6 submitters: Pathogenic (2); Likely pathogenic (4). Last evaluated 2026-08-06.

Conditions:
Neonatal intrahepatic cholestasis due to citrin deficiency (CDNI). Also called: Neonatal-onset citrullinemia type II; Neonatal-onset citrullinemia type 2; CITRIN DEFICIENCY, NEONATAL OR INFANTILE ONSET; Neonatal Intrahepatic Cholestasis Caused by Citrin Deficiency (NICCD). Identifiers: Orphanet 247598, MedGen C1853942, MONDO:0011601, OMIM 605814.
SLC25A13-related disorder. Also called: SLC25A13-related condition.
Citrullinemia, type II, adult-onset (CDAA). Also called: CITRIN DEFICIENCY, ADOLESCENT OR ADULT ONSET. Identifiers: Orphanet 247585, MedGen CN295299, MONDO:0011326, OMIM 603471.
Citrullinemia. Identifiers: Orphanet 187, MedGen C0175683, MONDO:0015991.
Citrin deficiency. Identifiers: Orphanet 247582, MedGen C1997910, MONDO:0016602.

Allele frequency attached by ClinVar (database versions not stated): ExAC 0.00001; gnomAD exomes 0.00001 and 0.00002; gnomAD 0.00004; TOPMed 0.00004.
gnomAD v4.1: 30 of 1,613,482 alleles (0.0019%); highest among the groups gnomAD compares: Admixed American, 0.0067%; no homozygotes.

Submissions (6):

OLLIN Analises Genomicas, OLLIN
Classification: Likely pathogenic for Neonatal intrahepatic cholestasis due to citrin deficiency. Last evaluated: 2026-08-06. Review status: criteria provided, single submitter. Criteria: ACMG Guidelines 2015 PMID 25741868. Collection method: clinical testing. Allele origin: germline.
Comment: This variant, located at the canonical splicing site (splice acceptor), has been reported in ClinVar (accession VCV001067978.11) and in gnomAD with an allele frequency of 0.0019%. However, to our knowledge, it has not been reported in the scientific literature. This variant is predicted to disrupt a canonical splice site, potentially leading to exon skipping, mRNA degradation via nonsense-mediated decay (NMD), or production of a truncated protein. According to the currently available evidence, this variant has been classified as likely pathogenic (PVS1, PM2_P).

Dasa
Classification: Pathogenic. Last evaluated: 2025-11-27. Review status: criteria provided, single submitter. Criteria: DASA Assertion Criteria. Collection method: clinical testing. Allele origin: germline.
Comment: NM_014251.3(SLC25A13):c.1231-1G>A affects a canonical splice site and is predicted to disrupt normal RNA splicing. Loss of function is an established disease mechanism for SLC25A13-associated disorders. Also, this variant is rare in population databases. Based on the currently available evidence, this variant is classified as pathogenic.

Natera, Inc.
Classification: Likely pathogenic for Citrullinemia. Last evaluated: 2025-10-14. Review status: criteria provided, single submitter. Criteria: Natera Variant Classification Schema (03/2026). Collection method: clinical testing. Allele origin: germline.
Comment: The c.1231-1G>A variant in SLC25A13 is a canonical splice acceptor site variant predicted to affect pre-mRNA splicing, which may result in an abnormal transcript and altered protein product. This variant is expected to result in nonsense mediated decay, truncation, or a dysfunctional protein product. This variant is rare in the general population with a frequency below the threshold expected for the associated phenotype(s). This variant has been observed in one or more individuals affected with the associated recessive disease, as either homozygous or compound heterozygous with a second variant (PMID: 30693370). Given the available evidence, this variant is classified as Likely Pathogenic.

Labcorp Genetics (formerly Invitae), Labcorp
Classification: Likely pathogenic for Citrin deficiency. Last evaluated: 2025-07-28. Review status: criteria provided, single submitter. Criteria: Invitae Variant Classification Sherloc (09022015). Collection method: clinical testing. Allele origin: germline.
Comment: This sequence change affects an acceptor splice site in intron 12 of the SLC25A13 gene. It is expected to disrupt RNA splicing. Variants that disrupt the donor or acceptor splice site typically lead to a loss of protein function (PMID: 16199547), and loss-of-function variants in SLC25A13 are known to be pathogenic (PMID: 10369257, 14680984, 27405544). This variant is present in population databases (rs781452100, gnomAD 0.003%). This variant has not been reported in the literature in individuals affected with SLC25A13-related conditions. ClinVar contains an entry for this variant (Variation ID: 1067978). Algorithms developed to predict the effect of sequence changes on RNA splicing suggest that this variant may disrupt the consensus splice site. In summary, the currently available evidence indicates that the variant is pathogenic, but additional data are needed to prove that conclusively. Therefore, this variant has been classified as Likely Pathogenic.

Baylor Genetics
Classification: Pathogenic for Citrullinemia, type II, adult-onset. Last evaluated: 2024-01-02. Review status: criteria provided, single submitter. Criteria: ACMG Guidelines, 2015. Collection method: clinical testing. Allele origin: unknown.

Blueprint Genetics
Classification: Likely pathogenic for SLC25A13-related disorders. Last evaluated: 2019-10-02. Review status: criteria provided, single submitter. Criteria: ACMG Guidelines, 2015. Collection method: clinical testing. Allele origin: germline. Affected: yes. Observed: 3 variant alleles.

Literature cited by the submitters: PubMed 30693370 (cited by Natera, Inc.); PubMed 16199547 (cited by Labcorp Genetics (formerly Invitae), Labcorp); PubMed 10369257 (cited by Labcorp Genetics (formerly Invitae), Labcorp); PubMed 14680984 (cited by Labcorp Genetics (formerly Invitae), Labcorp); PubMed 27405544 (cited by Labcorp Genetics (formerly Invitae), Labcorp).